The following is an entry in ClinVar:

ClinVar aggregate classification (germline): Uncertain significance (1 of 4 stars; one submission).

Conditions:
Neuropathy, hereditary sensory, type 2C. Also called: Hereditary sensory and autonomic neuropathy type IIC; KIF1A-Related HSAN2 (HSAN2C). Identifiers: Orphanet 970, MedGen C3280168, MONDO:0013634, OMIM 614213.
Hereditary spastic paraplegia 30. Identifiers: Orphanet 101010, MedGen C5235139, MONDO:0012476.
Intellectual disability, autosomal dominant 9 (NESCAVS). Also called: NESCAV SYNDROME; KIF1A-Related Neurodevelopmental Disorder. Identifiers: Orphanet 662367, MedGen C5393830, MONDO:0013656, OMIM 614255.

Allele frequency attached by ClinVar (database versions not stated): ExAC 0.00001; gnomAD exomes 0.00001.
gnomAD v4.1: 10 of 1,609,908 alleles (0.00062%); highest among the groups gnomAD compares: Non-Finnish European, 0.00068%; no homozygotes.

Submission:

Labcorp Genetics (formerly Invitae), Labcorp
Classification: Uncertain significance for Hereditary spastic paraplegia 30; Neuropathy, hereditary sensory, type 2C; Intellectual disability, autosomal dominant 9. Last evaluated: 2023-09-05. Review status: criteria provided, single submitter. Criteria: Invitae Variant Classification Sherloc (09022015). Collection method: clinical testing. Allele origin: germline.
Comment: This sequence change replaces glutamic acid, which is acidic and polar, with alanine, which is neutral and non-polar, at codon 703 of the KIF1A protein (p.Glu703Ala). This variant is present in population databases (rs764191829, gnomAD 0.002%). This variant has not been reported in the literature in individuals affected with KIF1A-related conditions. Advanced modeling of protein sequence and biophysical properties (such as structural, functional, and spatial information, amino acid conservation, physicochemical variation, residue mobility, and thermodynamic stability) has been performed at Invitae for this missense variant, however the output from this modeling did not meet the statistical confidence thresholds required to predict the impact of this variant on KIF1A protein function. In summary, the available evidence is currently insufficient to determine the role of this variant in disease. Therefore, it has been classified as a Variant of Uncertain Significance.

NM_001244008.2(KIF1A):c.2135A>C (p.Glu712Ala)

Gene: KIF1A (kinesin family member 1A; minus strand). Cytogenetic location: 2q37.3.
Variant type: single nucleotide variant.
Coding change: c.2135A>C on transcript NM_001244008.2 (MANE Select); coding-DNA position 2135, A replaced by C.
Protein change: p.Glu712Ala; replaces glutamic acid 712 with alanine.
Molecular consequence: missense variant.
Genome position (GRCh38, 1-based): chr2:240,761,359, T>G on the plus strand (A>C on the coding strand, the complement: KIF1A is on the minus strand). VCF-style: chr2-240761359-T-G. GRCh37 (hg19) VCF-style: chr2-241700776-T-G.
Other names: c.2135A>C, p.Glu712Ala (NM_001320705.2, NM_001330289.2, NM_001379638.1); c.2210A>C, p.Glu737Ala (NM_001330290.2, NM_001379631.1, NM_001379634.1 and 2 more transcripts); c.2108A>C, p.Glu703Ala (NM_001379632.1, NM_001379633.1, NM_001379636.1 and 11 more transcripts); c.2183A>C, p.Glu728Ala (NM_001379637.1, NM_001379648.1); short protein forms E703A, E728A, E712A, E737A.
Identifiers: ClinVar variation 2929391 (VCV002929391.3), dbSNP rs764191829, ClinGen allele CA2208174.